The following is an entry in ClinVar:

ClinVar aggregate classification (germline): Uncertain significance (1 of 4 stars; one submission).

Submission:

CeGaT Center for Human Genetics Tuebingen
Classification: Uncertain significance. Last evaluated: 2024-10-01. Review status: criteria provided, single submitter. Criteria: CeGaT Center For Human Genetics Tuebingen Variant Classification Criteria Version 2. Collection method: clinical testing. Allele origin: germline. Affected: yes. Observed: 1 variant allele.
Comment: ATP2B3: PM2, PP3, PS4:Supporting

NM_001001344.3(ATP2B3):c.2672T>C (p.Met891Thr)

Gene: ATP2B3 (ATPase plasma membrane Ca2+ transporting 3; plus strand). Cytogenetic location: Xq28.
Variant type: single nucleotide variant.
Coding change: c.2672T>C on transcript NM_001001344.3 (MANE Select); coding-DNA position 2672, T replaced by C.
Protein change: p.Met891Thr; replaces methionine 891 with threonine.
Molecular consequence: missense variant.
Genome position (GRCh38, 1-based): chrX:153,559,775, T>C. VCF-style: chrX-153559775-T-C. GRCh37 (hg19) VCF-style: chrX-152825233-T-C.
Other names: c.2672T>C, p.Met891Thr (NM_001388360.1, NM_001388361.1, NM_001388362.1 and 1 more transcripts); c.2630T>C, p.Met877Thr (NM_001410708.1); short protein forms M877T, M891T.
Identifiers: ClinVar variation 3388681 (VCV003388681.14).
Genomic context (GRCh38, chrX:153,559,775, plus strand): 5'-CCTCCTCTCCATAGGACTCTCCTCTCAAAGCCGTGCAGATGTTGTGGGTGAACTTGATCA[T>C]GGACACATTTGCCTCTCTGGCCCTGGCGACGGAGCCACCCACAGAGTCGCTGCTGCTGCG-3'
Protein context (NP_001001344.1, residues 881-901): AVQMLWVNLI[Met891Thr]DTFASLALAT